The following is an entry in ClinVar:

ClinVar aggregate classification (germline): Uncertain significance (1 of 4 stars; one submission).

Conditions:
Autosomal recessive limb-girdle muscular dystrophy type 2Y (MRRSDC). Also called: Muscular dystrophy, limb-girdle, type 2y; Muscular dystrophy, autosomal recessive, with rigid spine and distal joint contractures. Identifiers: Orphanet 424261, MedGen C4511482, MONDO:0014900, OMIM 617072.

Submission:

Labcorp Genetics (formerly Invitae), Labcorp
Classification: Uncertain significance for Autosomal recessive limb-girdle muscular dystrophy type 2Y. Last evaluated: 2020-08-24. Review status: criteria provided, single submitter. Criteria: Invitae Variant Classification Sherloc (09022015). Collection method: clinical testing. Allele origin: germline.
Comment: This sequence change replaces arginine with leucine at codon 152 of the TOR1AIP1 protein (p.Arg152Leu). The arginine residue is weakly conserved and there is a moderate physicochemical difference between arginine and leucine. This variant is not present in population databases (ExAC no frequency). This variant has not been reported in the literature in individuals with TOR1AIP1-related conditions. Algorithms developed to predict the effect of missense changes on protein structure and function are either unavailable or do not agree on the potential impact of this missense change (SIFT: "Tolerated"; PolyPhen-2: "Possibly Damaging"; Align-GVGD: "Class C0"). In summary, the available evidence is currently insufficient to determine the role of this variant in disease. Therefore, it has been classified as a Variant of Uncertain Significance.

NM_015602.4(TOR1AIP1):c.455G>T (p.Arg152Leu)

Genes: TOR1AIP1 (torsin 1A interacting protein 1; plus strand), LOC112577517 (Sharpr-MPRA regulatory region 13766; plus strand). Cytogenetic location: 1q25.2.
Variant type: single nucleotide variant.
Coding change: c.455G>T on transcript NM_015602.4 (MANE Select); coding-DNA position 455, G replaced by T.
Protein change: p.Arg152Leu; replaces arginine 152 with leucine.
Molecular consequence: missense variant.
Genome position (GRCh38, 1-based): chr1:179,882,957, G>T. VCF-style: chr1-179882957-G-T. GRCh37 (hg19) VCF-style: chr1-179852092-G-T.
Other names: c.455G>T, p.Arg152Leu (NM_001267578.2); short protein forms R152L.
Identifiers: ClinVar variation 1010945 (VCV001010945.5), dbSNP rs773422033, ClinGen allele CA343578409.